The following is an entry in ClinVar:

ClinVar aggregate classification (germline): Uncertain significance. Review status: criteria provided, multiple submitters, no conflicts (2 of 4 stars). 3 submissions from 3 submitters: Uncertain significance (3). Last evaluated 2025-11-20.

Conditions:
Inborn genetic diseases. Identifiers: MedGen C0950123, MeSH D030342.

Allele frequency attached by ClinVar (database versions not stated): TOPMed 0.00001; ExAC 0.00001; gnomAD exomes below 0.00001; gnomAD 0.00002.
gnomAD v4.1: 5 of 1,612,746 alleles (0.00031%); highest among the groups gnomAD compares: African/African-American, 0.0027%; no homozygotes.

Submissions (3):

Ambry Genetics
Classification: Uncertain significance for Inborn genetic diseases. Last evaluated: 2025-11-20. Review status: criteria provided, single submitter. Criteria: Ambry Variant Classification Scheme 2023. Collection method: clinical testing. Allele origin: germline.

GeneDx
Classification: Uncertain significance. Last evaluated: 2022-03-12. Review status: criteria provided, single submitter. Criteria: GeneDx Variant Classification Process June 2021. Collection method: clinical testing. Allele origin: germline. Affected: yes.
Comment: Not observed at significant frequency in large population cohorts (gnomAD); In silico analysis supports that this missense variant has a deleterious effect on protein structure/function; Has not been previously published as pathogenic or benign to our knowledge

Labcorp Genetics (formerly Invitae), Labcorp
Classification: Uncertain significance. Last evaluated: 2019-01-26. Review status: criteria provided, single submitter. Criteria: Invitae Variant Classification Sherloc (09022015). Collection method: clinical testing. Allele origin: germline.
Comment: This sequence change replaces histidine with arginine at codon 380 of the SLC39A14 protein (p.His380Arg). The histidine residue is highly conserved and there is a small physicochemical difference between histidine and arginine. This variant is present in population databases (rs764832283, ExAC 0.01%). Algorithms developed to predict the effect of missense changes on protein structure and function (SIFT, PolyPhen-2, Align-GVGD) all suggest that this variant is likely to be disruptive, but these predictions have not been confirmed by published functional studies and their clinical significance is uncertain. Algorithms developed to predict the effect of sequence changes on RNA splicing suggest that this variant may create or strengthen a splice site, but this prediction has not been confirmed by published transcriptional studies. In summary, the available evidence is currently insufficient to determine the role of this variant in disease. Therefore, it has been classified as a Variant of Uncertain Significance.

NM_001128431.4(SLC39A14):c.1139A>G (p.His380Arg)

Gene: SLC39A14 (solute carrier family 39 member 14; plus strand). Cytogenetic location: 8p21.3.
Variant type: single nucleotide variant.
Coding change: c.1139A>G on transcript NM_001128431.4 (MANE Select); coding-DNA position 1139, A replaced by G.
Protein change: p.His380Arg; replaces histidine 380 with arginine.
Molecular consequence: missense variant.
Genome position (GRCh38, 1-based): chr8:22,416,272, A>G. VCF-style: chr8-22416272-A-G. GRCh37 (hg19) VCF-style: chr8-22273785-A-G.
Other names: c.1139A>G, p.His380Arg (NM_001135153.3, NM_001135154.3, NM_001351655.2 and 3 more transcripts); c.1169A>G, p.His390Arg (NM_001351657.2, NM_001351658.2, NM_001351659.2); short protein forms H380R, H390R.
Identifiers: ClinVar variation 836459 (VCV000836459.5), dbSNP rs764832283, ClinGen allele CA4667515.